The following is an entry in ClinVar:

ClinVar aggregate classification (germline): Uncertain significance (1 of 4 stars; one submission).

Conditions:
Isovaleryl-CoA dehydrogenase deficiency (IVA). Also called: Classic Isovaleric Acidemia; ISOVALERIC ACID CoA DEHYDROGENASE DEFICIENCY; Isovaleric acidemia; IVD DEFICIENCY. Identifiers: Orphanet 33, MedGen C0268575, MONDO:0009475, OMIM 243500.

Submission:

Labcorp Genetics (formerly Invitae), Labcorp
Classification: Uncertain significance for Isovaleryl-CoA dehydrogenase deficiency. Last evaluated: 2023-08-17. Review status: criteria provided, single submitter. Criteria: Invitae Variant Classification Sherloc (09022015). Collection method: clinical testing. Allele origin: germline.
Comment: This missense change has been observed in individual(s) with a positive newborn screening result for IVD-related disease (Invitae). ClinVar contains an entry for this variant (Variation ID: 570197). This variant is not present in population databases (gnomAD no frequency). An algorithm developed to predict the effect of missense changes on protein structure and function (PolyPhen-2) suggests that this variant is likely to be disruptive. In summary, the available evidence is currently insufficient to determine the role of this variant in disease. Therefore, it has been classified as a Variant of Uncertain Significance. This sequence change replaces aspartic acid, which is acidic and polar, with asparagine, which is neutral and polar, at codon 377 of the IVD protein (p.Asp377Asn).

NM_002225.5(IVD):c.1120G>A (p.Asp374Asn)

Gene: IVD (isovaleryl-CoA dehydrogenase; plus strand). Cytogenetic location: 15q15.1.
Variant type: single nucleotide variant.
Coding change: c.1120G>A on transcript NM_002225.5 (MANE Select); coding-DNA position 1120, G replaced by A.
Protein change: p.Asp374Asn; replaces aspartic acid 374 with asparagine.
Molecular consequence: missense variant. On other transcripts: non-coding transcript variant (1).
Genome position (GRCh38, 1-based): chr15:40,416,344, G>A. VCF-style: chr15-40416344-G-A. GRCh37 (hg19) VCF-style: chr15-40708543-G-A.
Other names: c.1030G>A, p.Asp344Asn (NM_001159508.3); c.1072G>A, p.Asp358Asn (NM_001354597.3); c.1120G>A, p.Asp374Asn (NM_001354598.3, NM_001354601.3); c.1207G>A, p.Asp403Asn (NM_001354599.3, NM_001354600.3); short protein forms D374N, D344N, D358N, D403N.
Identifiers: ClinVar variation 570197 (VCV000570197.7), dbSNP rs1566941619, ClinGen allele CA391723888.